The following is an entry in ClinVar:

ClinVar aggregate classification (germline): Uncertain significance (1 of 4 stars; one submission).

Conditions:
Hereditary sensory and autonomic neuropathy type 6. Also called: Neuropathy, hereditary sensory and autonomic, type VI; HSAN VI. Identifiers: Orphanet 314381, MedGen C3539003, MONDO:0013839, OMIM 614653.
Epidermolysis bullosa simplex 3, localized or generalized intermediate, with BP230 deficiency (EBS3). Also called: Epidermolysis bullosa simplex due to BP230 deficiency; Epidermolysis bullosa simplex, autosomal recessive 2. Identifiers: Orphanet 412181, MedGen C3809470, MONDO:0014180, OMIM 615425.

Allele frequency attached by ClinVar (database versions not stated): gnomAD 0.00001; TOPMed 0.00001; gnomAD exomes 0.00002; ExAC 0.00005.
gnomAD v4.1: 13 of 1,610,528 alleles (0.00081%); highest among the groups gnomAD compares: Admixed American, 0.022%; no homozygotes.

Submission:

Labcorp Genetics (formerly Invitae), Labcorp
Classification: Uncertain significance for Epidermolysis bullosa simplex 3, localized or generalized intermediate, with BP230 deficiency; Hereditary sensory and autonomic neuropathy type 6. Last evaluated: 2023-04-18. Review status: criteria provided, single submitter. Criteria: Invitae Variant Classification Sherloc (09022015). Collection method: clinical testing. Allele origin: germline.
Comment: The DST gene has multiple clinically relevant transcripts. This variant occurs in alternate transcript NM_015548.4, and corresponds to NM_001723.5:c.*62737G>C in the primary transcript. This variant has not been reported in the literature in individuals affected with DST-related conditions. In summary, the available evidence is currently insufficient to determine the role of this variant in disease. Therefore, it has been classified as a Variant of Uncertain Significance. Experimental studies and prediction algorithms are not available or were not evaluated, and the functional significance of this variant is currently unknown. This sequence change replaces aspartic acid, which is acidic and polar, with histidine, which is basic and polar, at codon 2715 of the DST protein (p.Asp2715His). This variant is present in population databases (rs746763897, gnomAD 0.03%).

NM_001374736.1(DST):c.16012G>C (p.Asp5338His)

Gene: DST (dystonin; minus strand). Cytogenetic location: 6p12.1.
Variant type: single nucleotide variant.
Coding change: c.16012G>C on transcript NM_001374736.1 (MANE Select); coding-DNA position 16012, G replaced by C.
Protein change: p.Asp5338His; replaces aspartic acid 5338 with histidine.
Molecular consequence: missense variant.
Genome position (GRCh38, 1-based): chr6:56,552,780, C>G on the plus strand (G>C on the coding strand, the complement: DST is on the minus strand). VCF-style: chr6-56552780-C-G. GRCh37 (hg19) VCF-style: chr6-56417578-C-G.
Other names: c.9655G>C, p.Asp3219His (NM_001144769.5); c.9241G>C, p.Asp3081His (NM_001144770.2); c.16012G>C, p.Asp5338His (NM_001374722.1); c.15379G>C, p.Asp5127His (NM_001374729.1); c.9121G>C, p.Asp3041His (NM_001374730.1, NM_001386100.1, NM_183380.4); c.16039G>C, p.Asp5347His (NM_001374734.1); c.8143G>C, p.Asp2715His (NM_015548.5); short protein forms D5347H, D3081H, D2715H, D5127H, D3041H, D3219H, D5338H.
Identifiers: ClinVar variation 2150776 (VCV002150776.4), dbSNP rs746763897, ClinGen allele CA3867742.
Genomic context (GRCh38, chr6:56,552,780, plus strand): 5'-TTTCCACTTGTAATAAAACATCAGAGGTTCCCTTTGAGTCTGAGGCCTCTACCACAAGGT[C>G]CTGTGCAAGTCTTTTAGCCAAATCTACCTGATGCTTCAAGGCCTGAAGTGATTTCTGCTG-3'
Protein context (NP_001361665.1, residues 5328-5348): QVDLAKRLAQ[Asp5338His]LVVEASDSKG